The following is an entry in ClinVar:

NM_004706.4(ARHGEF1):c.1636C>T (p.Arg546Cys)

Gene: ARHGEF1 (Rho guanine nucleotide exchange factor 1; plus strand). Cytogenetic location: 19q13.2.
Variant type: single nucleotide variant.
Coding change: c.1636C>T on transcript NM_004706.4 (MANE Select); coding-DNA position 1636, C replaced by T.
Protein change: p.Arg546Cys; replaces arginine 546 with cysteine.
Molecular consequence: missense variant.
Genome position (GRCh38, 1-based): chr19:41,902,796, C>T. VCF-style: chr19-41902796-C-T. GRCh37 (hg19) VCF-style: chr19-42406946-C-T.
Other names: c.1537C>T, p.Arg513Cys (NM_198977.2); c.1681C>T, p.Arg561Cys (NM_199002.2); c.1681C>T (NM_199002.1); short protein forms R513C, R546C, R561C.
Identifiers: ClinVar variation 1427326 (VCV001427326.9), dbSNP rs752679992, ClinGen allele CA9466433.

ClinVar aggregate classification (germline): Uncertain significance. Review status: criteria provided, multiple submitters, no conflicts (2 of 4 stars). 2 submissions from 2 submitters: Uncertain significance (2). Last evaluated 2025-05-21.

Allele frequency attached by ClinVar (database versions not stated): TOPMed below 0.00001; ExAC 0.00001; gnomAD 0.00001; gnomAD exomes 0.00001 and 0.00002.
gnomAD v4.1: 9 of 1,612,854 alleles (0.00056%); highest among the groups gnomAD compares: East Asian, 0.0067%; no homozygotes.

Submissions (2):

Ambry Genetics
Classification: Uncertain significance. Last evaluated: 2025-05-21. Review status: criteria provided, single submitter. Criteria: Ambry Variant Classification Scheme 2023. Collection method: clinical testing. Allele origin: germline.

Labcorp Genetics (formerly Invitae), Labcorp
Classification: Uncertain significance. Last evaluated: 2024-08-06. Review status: criteria provided, single submitter. Criteria: Invitae Variant Classification Sherloc (09022015). Collection method: clinical testing. Allele origin: germline.
Comment: This sequence change replaces arginine, which is basic and polar, with cysteine, which is neutral and slightly polar, at codon 561 of the ARHGEF1 protein (p.Arg561Cys). The frequency data for this variant in the population databases is considered unreliable, as metrics indicate poor data quality at this position in the gnomAD database. This variant has not been reported in the literature in individuals affected with ARHGEF1-related conditions. ClinVar contains an entry for this variant (Variation ID: 1427326). An algorithm developed to predict the effect of missense changes on protein structure and function (PolyPhen-2) suggests that this variant is likely to be disruptive. In summary, the available evidence is currently insufficient to determine the role of this variant in disease. Therefore, it has been classified as a Variant of Uncertain Significance.